The following is an entry in ClinVar:

ClinVar aggregate classification (germline): Pathogenic. Review status: criteria provided, multiple submitters, no conflicts (2 of 4 stars). 3 submissions from 3 submitters: Pathogenic (3). Last evaluated 2023-05-16.

Conditions:
Familial adenomatous polyposis 1 (FAP1). Also called: FAMILIAL ADENOMATOUS POLYPOSIS 1, ATTENUATED; POLYPOSIS, ADENOMATOUS INTESTINAL. Identifiers: MedGen C2713442, MONDO:0021056, OMIM 175100. Disease mechanism: loss of function.
Hereditary cancer-predisposing syndrome. Also called: Neoplastic Syndromes, Hereditary; Tumor predisposition; Hereditary neoplastic syndrome; Hereditary Cancer Syndrome. Identifiers: Orphanet 140162, MedGen C0027672, MeSH D009386, MONDO:0015356.

Submissions (3):

Myriad Genetics, Inc.
Classification: Pathogenic for Familial adenomatous polyposis 1. Last evaluated: 2023-05-16. Review status: criteria provided, single submitter. Criteria: Myriad Autosomal Dominant, Autosomal Recessive and X-Linked Classification Criteria (2023). Collection method: clinical testing. Allele origin: unknown.
Comment: This variant is considered pathogenic. This variant creates a frameshift predicted to result in premature protein truncation.

Labcorp Genetics (formerly Invitae), Labcorp
Classification: Pathogenic for Familial adenomatous polyposis 1. Last evaluated: 2020-01-24. Review status: criteria provided, single submitter. Criteria: Invitae Variant Classification Sherloc (09022015). Collection method: clinical testing. Allele origin: germline.
Comment: For these reasons, this variant has been classified as Pathogenic. A different truncation (p.Tyr2645Lysfs*14) that lies downstream of this variant has been determined to be pathogenic (PMID: 9824584, 1316610, 27081525, 8381579, 22135120, Invitae). This suggests that deletion of this region of the APC protein is causative of disease. This variant is expected to disrupt the EB1 and HDLG binding sites, which mediate interactions with the cytoskeleton (PMID: 15311282, 17293347). While functional studies have not been performed to directly test the effect on APC protein function, this suggests that disruption of the C-terminal portion of the protein is functionally important. This variant has not been reported in the literature in individuals with APC-related disease. This variant is not present in population databases (ExAC no frequency). This sequence change results in a premature translational stop signal in the APC gene (p.Gln2478Argfs*7). While this is not anticipated to result in nonsense mediated decay, it is expected to disrupt the last 366 amino acids of the APC protein.

Ambry Genetics
Classification: Pathogenic for Hereditary cancer-predisposing syndrome. Last evaluated: 2019-05-07. Review status: criteria provided, single submitter. Criteria: Ambry Variant Classification Scheme 2023. Collection method: clinical testing. Allele origin: germline.
Comment: The c.7432delC pathogenic mutation, located in coding exon 15 of the APC gene, results from a deletion of one nucleotide at nucleotide position 7432, causing a translational frameshift with a predicted alternate stop codon (p.Q2478Rfs*7). This alteration is expected to result in loss of function by premature protein truncation. As such, this alteration is interpreted as a disease-causing mutation.

Literature cited by the submitters: PubMed 9824584 (cited by Labcorp Genetics (formerly Invitae), Labcorp); PubMed 1316610 (cited by Labcorp Genetics (formerly Invitae), Labcorp); PubMed 27081525 (cited by Labcorp Genetics (formerly Invitae), Labcorp); PubMed 8381579 (cited by Labcorp Genetics (formerly Invitae), Labcorp); PubMed 22135120 (cited by Labcorp Genetics (formerly Invitae), Labcorp); PubMed 15311282 (cited by Labcorp Genetics (formerly Invitae), Labcorp); PubMed 17293347 (cited by Labcorp Genetics (formerly Invitae), Labcorp).

NM_000038.6(APC):c.7432del (p.Gln2478fs)

Gene: APC (APC regulator of Wnt signaling pathway; plus strand). Cytogenetic location: 5q22.2.
Variant type: Deletion.
Coding change: c.7432del on transcript NM_000038.6 (MANE Select); coding-DNA position 7432, one base deleted (C; older notation c.7432delC).
Protein change: p.Gln2478fs; shifts the reading frame from glutamine 2478.
Molecular consequence: frameshift variant.
Genome position (GRCh38, 1-based): chr5:112,843,026, C deleted; the last of 3 consecutive C bases (chr5:112,843,024-112,843,026); deleting any one gives the same sequence. VCF-style (leftmost placement, unchanged base first): chr5-112843023-TC-T. GRCh37 (hg19) VCF-style: chr5-112178720-TC-T.
Other names: c.7432del, p.Gln2478fs (NM_001127510.3, NM_001354895.2); c.7378del, p.Gln2460fs (NM_001127511.3); c.7486del, p.Gln2496fs (NM_001354896.2); c.7462del, p.Gln2488fs (NM_001354897.2); c.7357del, p.Gln2453fs (NM_001354898.2); c.7348del, p.Gln2450fs (NM_001354899.2); c.7309del, p.Gln2437fs (NM_001354900.2); c.7255del, p.Gln2419fs (NM_001354901.2); and 6 more; short protein forms Q2352fs, Q2437fs, Q2195fs, Q2387fs, Q2450fs, Q2460fs, Q2478fs, Q2318fs.
Identifiers: ClinVar variation 660938 (VCV000660938.17), dbSNP rs1580682528, ClinGen allele CA915943522.